The following is an entry in ClinVar:

NM_000138.5(FBN1):c.1397T>C (p.Ile466Thr)

Gene: FBN1 (fibrillin 1; minus strand). Cytogenetic location: 15q21.1.
Variant type: single nucleotide variant.
Coding change: c.1397T>C on transcript NM_000138.5 (MANE Select); coding-DNA position 1397, T replaced by C.
Protein change: p.Ile466Thr; replaces isoleucine 466 with threonine.
Molecular consequence: missense variant.
Genome position (GRCh38, 1-based): chr15:48,515,458, A>G on the plus strand (T>C on the coding strand, the complement: FBN1 is on the minus strand). VCF-style: chr15-48515458-A-G. GRCh37 (hg19) VCF-style: chr15-48807655-A-G.
Other names: c.1397T>C, p.Ile466Thr (NM_001406716.1); short protein forms I466T.
Identifiers: ClinVar variation 2773389 (VCV002773389.3), dbSNP rs1409489395, ClinGen allele CA392343808.
Genomic context (GRCh38, chr15:48,515,458, plus strand): 5'-CCACGGAGGTCCAGCTGGAACCCTTTGTTGCACTCACACCGGTAACTCCCAGGAGTTGGA[A>G]TGCAGCGTCCATTTTGACAGAGATAGCGGACCAACTGGCAGTAATCAGTAACGTTTACTG-3'
Protein context (NP_000129.3, residues 456-476): VRYLCQNGRC[Ile466Thr]PTPGSYRCEC

ClinVar aggregate classification (germline): Uncertain significance. Review status: criteria provided, multiple submitters, no conflicts (2 of 4 stars). 2 submissions from 2 submitters: Uncertain significance (2). Last evaluated 2024-09-23.

Conditions:
Marfan syndrome (MFS). Also called: FBN1-Related Marfan Syndrome; MARFAN SYNDROME, TYPE I; Marfan syndrome type 1; Marfan's syndrome; Marfan syndrome, classic. Identifiers: Orphanet 284963, Orphanet 558, MedGen C0024796, MONDO:0007947, OMIM 154700.
Familial thoracic aortic aneurysm and aortic dissection (TAAD). Also called: Thoracic aortic aneurysms and dissections. Identifiers: Orphanet 91387, MedGen C4707243, MONDO:0019625.

Allele frequency attached by ClinVar (database versions not stated): TOPMed below 0.00001; gnomAD exomes below 0.00001.
gnomAD v4.1: 2 of 1,614,056 alleles (0.00012%); highest among the groups gnomAD compares: Non-Finnish European, 0.00017%; no homozygotes.

Submissions (2):

All of Us Research Program, National Institutes of Health
Classification: Uncertain significance for Marfan syndrome. Last evaluated: 2024-09-23. Review status: criteria provided, single submitter. Criteria: ACMG Guidelines, 2015. Collection method: clinical testing. Allele origin: germline. Inheritance: Autosomal dominant inheritance. Observed: 1 variant allele, 1 heterozygote.
Comment: This study involves interpretation of variants in research participants for the purpose of population health screening. Participant phenotype was not available at the time of variant classification. Additional details can be found in publication PMID: 35346344, PMCID: PMC8962531

Color Diagnostics, LLC DBA Color Health
Classification: Uncertain significance for Familial thoracic aortic aneurysm and aortic dissection. Last evaluated: 2023-04-01. Review status: criteria provided, single submitter. Criteria: ACMG Guidelines, 2015. Collection method: clinical testing. Allele origin: germline.
Comment: This missense variant replaces isoleucine with threonine at codon 466 of the FBN1 protein. Computational prediction is inconclusive regarding the impact of this variant on protein structure and function (internally defined REVEL score threshold 0.5 < inconclusive < 0.7, PMID: 27666373). To our knowledge, functional studies have not been reported for this variant. This variant has not been reported in individuals affected with FBN1-related disorders in the literature. This variant has been identified in 1/251256 chromosomes in the general population by the Genome Aggregation Database (gnomAD). The available evidence is insufficient to determine the role of this variant in disease conclusively. Therefore, this variant is classified as a Variant of Uncertain Significance.